The following is an entry in ClinVar:

NM_032043.3(BRIP1):c.845C>T (p.Thr282Ile)

Gene: BRIP1 (BRCA1 interacting DNA helicase 1; minus strand). Cytogenetic location: 17q23.2.
Variant type: single nucleotide variant.
Coding change: c.845C>T on transcript NM_032043.3 (MANE Select); coding-DNA position 845, C replaced by T.
Protein change: p.Thr282Ile; replaces threonine 282 with isoleucine.
Molecular consequence: missense variant.
Genome position (GRCh38, 1-based): chr17:61,808,540, G>A on the plus strand (C>T on the coding strand, the complement: BRIP1 is on the minus strand). VCF-style: chr17-61808540-G-A. GRCh37 (hg19) VCF-style: chr17-59885901-G-A.
Other names: short protein forms T282I.
Identifiers: ClinVar variation 530319 (VCV000530319.9), dbSNP rs45624635, ClinGen allele CA400484793.

ClinVar aggregate classification (germline): Uncertain significance (1 of 4 stars; one submission).

Conditions:
Fanconi anemia complementation group J. Also called: BRIP1-Related Fanconi Anemia. Identifiers: Orphanet 84, MedGen C1836860, MONDO:0012187, OMIM 609054.
Familial cancer of breast. Also called: BREAST CANCER, FAMILIAL; hereditary breast carcinoma; Hereditary breast cancer. Identifiers: Orphanet 227535, MedGen C0346153, MONDO:0016419, OMIM 114480. Disease mechanism: loss of function.

Submission:

Labcorp Genetics (formerly Invitae), Labcorp
Classification: Uncertain significance for Familial cancer of breast; Fanconi anemia complementation group J. Last evaluated: 2017-12-26. Review status: criteria provided, single submitter. Criteria: Invitae Variant Classification Sherloc (09022015). Collection method: clinical testing. Allele origin: germline.
Comment: This variant is not present in population databases (ExAC no frequency). This sequence change replaces threonine with isoleucine at codon 282 of the BRIP1 protein (p.Thr282Ile). The threonine residue is moderately conserved and there is a moderate physicochemical difference between threonine and isoleucine. Algorithms developed to predict the effect of missense changes on protein structure and function do not agree on the potential impact of this missense change (SIFT: "Deleterious"; PolyPhen-2: "Probably Damaging"; Align-GVGD: "Class C0"). In summary, the available evidence is currently insufficient to determine the role of this variant in disease. Therefore, it has been classified as a Variant of Uncertain Significance. This variant has not been reported in the literature in individuals with BRIP1-related disease.